The following is an entry in ClinVar:

ClinVar aggregate classification (germline): Likely pathogenic. Review status: criteria provided, multiple submitters, no conflicts (2 of 4 stars). 5 submissions from 5 submitters: Likely pathogenic (3). 2 of the submissions do not count toward it. Last evaluated 2025-06-03.

Conditions:
von Willebrand disease type 2 (VWD2). Also called: VWD, TYPE 2; VON WILLEBRAND DISEASE, TYPE 2A/IIE; VON WILLEBRAND DISEASE, TYPE 2CB; VON WILLEBRAND DISEASE, TYPE II. Identifiers: Orphanet 166081, Orphanet 903, MedGen C1264040, MONDO:0013304, OMIM 613554.
von Willebrand disease type 1 (VWD1). Also called: VWD, TYPE 1; VON WILLEBRAND DISEASE, TYPE I. Identifiers: Orphanet 166078, Orphanet 903, MedGen C1264039, MONDO:0008668, OMIM 193400. Inheritance: autosomal recessive or autosomal dominant.
von Willebrand disease type 3 (VWD3). Also called: Type 3 Von Willebrand's disease; Type 3 VWD; Von Willebrand disease, severe form; V WD3; VON WILLEBRAND DISEASE, TYPE III. Identifiers: Orphanet 166096, MedGen C1264041, MONDO:0010191, OMIM 277480.
Hereditary von Willebrand disease. Identifiers: Orphanet 903, MedGen C5703318, MONDO:0019565. Inheritance: Autosomal recessive or Autosomal dominant.

Allele frequency attached by ClinVar (database versions not stated): gnomAD exomes below 0.00001; TOPMed below 0.00001.
gnomAD v4.1: 1 of 1,613,876 alleles (0.000062%); highest among the groups gnomAD compares: Admixed American, 0.0017%; no homozygotes.

Submissions (5):

Quest Diagnostics Nichols Institute San Juan Capistrano
Classification: Likely pathogenic. Last evaluated: 2025-06-03. Review status: criteria provided, single submitter. Criteria: Quest Diagnostics criteria. Collection method: clinical testing. Allele origin: unknown.
Comment: The VWF c.4273A>T (p.Ile1425Phe also known as p.Ile662Phe) variant has been reported in the published literature in individuals with type 2 von Willebrand disease (PMID: 33556167 (2021)) and type 2M von Willebrand disease (type 2M vWD) (PMID: 9198195 (1997)). This variant has been reported along with other VWF variants in additional individuals with type 2M von Willebrand disease (PMID: 25662333 (2015), 28971901 (2017)). Published functional studies have shown that this variant is associated with a normal VWF multimer pattern but greatly reduced ristocetin-induced binding of von Willebrand factor to platelets and platelet aggregation (PMID: 9473222 (1998), 10845912 (2000), 25185554 (2014)). This variant is located in VWF A1 domain and is associated with reduced collagen 4 binding (PMID: 25662333 (2015)). The frequency of this variant in the general population (Genome Aggregation Database) is uninformative in the assessment of its pathogenicity. Analysis of this variant using bioinformatics tools for the prediction of the effect of amino acid changes on protein structure and function yielded predictions that this variant is damaging. Based on the available information, this variant is classified as likely pathogenic.

GeneDx
Classification: Likely pathogenic. Last evaluated: 2024-05-06. Review status: criteria provided, single submitter. Criteria: GeneDx Variant Classification Process June 2021. Collection method: clinical testing. Allele origin: germline. Affected: yes.
Comment: Reported in the heterozygous state in patients with von Willebrand disease type 2 in the published literature, but familial segregation information and additional clinical information were not included (PMID: 28971901, 9473222, 33556167, 9198195); Seen with a second variant in VWF in a patient with von Willebrand disease type 2M, but it is not known whether the variants occurred on the same (in cis) or on different (in trans) chromosomes (PMID: 25662333); Published functional studies demonstrate a damaging effect (PMID: 25185554); In silico analysis supports that this missense variant has a deleterious effect on protein structure/function; Not observed at significant frequency in large population cohorts (gnomAD); Also known as p.(I662F); This variant is associated with the following publications: (PMID: 10845912, 21289515, 20345715, 25662333, 14734152, 19665675, 12551832, 19506361, 9473222, 9198195, 33556167, 26986123, 26200876, 27889474, 17087728, 25185554, 25477497, 28971901)

Fulgent Genetics
Classification: Likely pathogenic for von Willebrand disease type 1; von Willebrand disease type 3; von Willebrand disease type 2. Last evaluated: 2021-08-25. Review status: criteria provided, single submitter. Criteria: ACMG Guidelines, 2015. Collection method: clinical testing. Allele origin: unknown.

Academic Unit of Haematology, University of Sheffield
No classification provided. Review status: no classification provided. Collection method: not provided. Allele origin: not provided. Not counted in ClinVar's aggregate classification.

GeneReviews
No classification provided. Condition: von Willebrand disorder. Review status: no classification provided. Collection method: literature only. Allele origin: germline. Not counted in ClinVar's aggregate classification.

Literature cited by the submitters: PubMed 33556167 (cited by Quest Diagnostics Nichols Institute San Juan Capistrano); PubMed 25662333 (cited by Quest Diagnostics Nichols Institute San Juan Capistrano); PubMed 28971901 (cited by Quest Diagnostics Nichols Institute San Juan Capistrano); PubMed 9198195 (cited by Quest Diagnostics Nichols Institute San Juan Capistrano); PubMed 10845912 (cited by Quest Diagnostics Nichols Institute San Juan Capistrano); PubMed 9473222 (cited by Quest Diagnostics Nichols Institute San Juan Capistrano); PubMed 25185554 (cited by Quest Diagnostics Nichols Institute San Juan Capistrano); PubMed 26986123 (cited by Quest Diagnostics Nichols Institute San Juan Capistrano); PubMed 26200876 (cited by Quest Diagnostics Nichols Institute San Juan Capistrano); PubMed 12551832 (cited by Quest Diagnostics Nichols Institute San Juan Capistrano); PubMed 27889474 (cited by Quest Diagnostics Nichols Institute San Juan Capistrano); PubMed 17087728 (cited by Quest Diagnostics Nichols Institute San Juan Capistrano); NCBI Bookshelf NBK7014 (cited by GeneReviews).

NM_000552.5(VWF):c.4273A>T (p.Ile1425Phe)

Gene: VWF (von Willebrand factor; minus strand). Cytogenetic location: 12p13.31.
Variant type: single nucleotide variant.
Coding change: c.4273A>T on transcript NM_000552.5 (MANE Select); coding-DNA position 4273, A replaced by T.
Protein change: p.Ile1425Phe; replaces isoleucine 1425 with phenylalanine.
Molecular consequence: missense variant.
Genome position (GRCh38, 1-based): chr12:6,019,145, T>A on the plus strand (A>T on the coding strand, the complement: VWF is on the minus strand). VCF-style: chr12-6019145-T-A. GRCh37 (hg19) VCF-style: chr12-6128311-T-A.
Other names: short protein forms I1425F.
Identifiers: ClinVar variation 100346 (VCV000100346.7), dbSNP rs61750083, ClinGen allele CA228573.
Genomic context (GRCh38, chr12:6,019,145, plus strand): 5'-CATCCACACTGCTCAGCACGAAGGCCTTGTTCTCAGGGGCCTGCTTCTCGATGAGGCGGA[T>A]CTGCTTGAGGTTGGCATGGGGCCCAATGCCCACCGGGATCACAATGACCTTCTTCTTCTT-3'
Protein context (NP_000543.3, residues 1415-1435): GIGPHANLKQ[Ile1425Phe]RLIEKQAPEN